The following is an entry in ClinVar:

NM_000291.4(PGK1):c.542T>A (p.Leu181Gln)

Gene: PGK1 (phosphoglycerate kinase 1; plus strand). Cytogenetic location: Xq21.1.
Variant type: single nucleotide variant.
Coding change: c.542T>A on transcript NM_000291.4 (MANE Select); coding-DNA position 542, T replaced by A.
Protein change: p.Leu181Gln; replaces leucine 181 with glutamine.
Molecular consequence: missense variant.
Genome position (GRCh38, 1-based): chrX:78,118,071, T>A. VCF-style: chrX-78118071-T-A. GRCh37 (hg19) VCF-style: chrX-77373568-T-A.
Other names: short protein forms L181Q.
Identifiers: ClinVar variation 1945393 (VCV001945393.5), dbSNP rs1364658474, ClinGen allele CA413721393.
Genomic context (GRCh38, chrX:78,118,071, plus strand): 5'-AGGGATTGACTAGAATCTGAATGTCTTTGATCTTTTCTAGCTCCATGGTAGGAGTCAATC[T>A]GCCACAGAAGGCTGGTGGGTTTTTGATGAAGAAGGAGCTGAACTACTTTGCAAAGGCCTT-3'
Protein context (NP_000282.1, residues 171-191): RAHSSMVGVN[Leu181Gln]PQKAGGFLMK

ClinVar aggregate classification (germline): Uncertain significance (1 of 4 stars; one submission).

Allele frequency attached by ClinVar (database versions not stated): gnomAD exomes below 0.00001; TOPMed 0.00001; gnomAD 0.00002.
gnomAD v4.1: 5 of 1,204,989 alleles (0.00041%); highest among the groups gnomAD compares: Non-Finnish European, 0.00056%; no homozygotes.

Submission:

Labcorp Genetics (formerly Invitae), Labcorp
Classification: Uncertain significance. Last evaluated: 2025-05-02. Review status: criteria provided, single submitter. Criteria: Invitae Variant Classification Sherloc (09022015). Collection method: clinical testing. Allele origin: germline.
Comment: This sequence change replaces leucine, which is neutral and non-polar, with glutamine, which is neutral and polar, at codon 181 of the PGK1 protein (p.Leu181Gln). This variant is present in population databases (no rsID available, gnomAD 0.001%). This variant has not been reported in the literature in individuals affected with PGK1-related conditions. ClinVar contains an entry for this variant (Variation ID: 1945393). Invitae Evidence Modeling of protein sequence and biophysical properties (such as structural, functional, and spatial information, amino acid conservation, physicochemical variation, residue mobility, and thermodynamic stability) indicates that this missense variant is not expected to disrupt PGK1 protein function with a negative predictive value of 80%. In summary, the available evidence is currently insufficient to determine the role of this variant in disease. Therefore, it has been classified as a Variant of Uncertain Significance.